The following is an entry in ClinVar:

NM_001042492.3(NF1):c.4014C>A (p.Asn1338Lys)

Gene: NF1 (neurofibromin 1; plus strand). Cytogenetic location: 17q11.2.
Variant type: single nucleotide variant.
Coding change: c.4014C>A on transcript NM_001042492.3 (MANE Select); coding-DNA position 4014, C replaced by A.
Protein change: p.Asn1338Lys; replaces asparagine 1338 with lysine.
Molecular consequence: missense variant.
Genome position (GRCh38, 1-based): chr17:31,249,023, C>A. VCF-style: chr17-31249023-C-A. GRCh37 (hg19) VCF-style: chr17-29576041-C-A.
Other names: c.4014C>A, p.Asn1338Lys (NM_000267.4); short protein forms N1338K.
Identifiers: ClinVar variation 2109438 (VCV002109438.4), dbSNP rs2151451389, ClinGen allele CA398994892.

ClinVar aggregate classification (germline): Uncertain significance (1 of 4 stars; one submission).

Conditions:
Neurofibromatosis, type 1 (NF1). Also called: Peripheral type neurofibromatosis; NEUROFIBROMATOSIS, TYPE I, SOMATIC; VON RECKLINGHAUSEN DISEASE; Neurofibromatosis, type I. Identifiers: Orphanet 636, MedGen C0027831, MONDO:0018975, OMIM 162200. Disease mechanism: loss of function.

Submission:

Labcorp Genetics (formerly Invitae), Labcorp
Classification: Uncertain significance for Neurofibromatosis, type 1. Last evaluated: 2022-04-15. Review status: criteria provided, single submitter. Criteria: Invitae Variant Classification Sherloc (09022015). Collection method: clinical testing. Allele origin: germline.
Comment: In summary, the available evidence is currently insufficient to determine the role of this variant in disease. Therefore, it has been classified as a Variant of Uncertain Significance. Advanced modeling of protein sequence and biophysical properties (such as structural, functional, and spatial information, amino acid conservation, physicochemical variation, residue mobility, and thermodynamic stability) performed at Invitae indicates that this missense variant is not expected to disrupt NF1 protein function. This variant has not been reported in the literature in individuals affected with NF1-related conditions. This variant is not present in population databases (gnomAD no frequency). This sequence change replaces asparagine, which is neutral and polar, with lysine, which is basic and polar, at codon 1338 of the NF1 protein (p.Asn1338Lys).